The following is an entry in ClinVar:

NM_000245.4(MET):c.1913T>C (p.Ile638Thr)

Gene: MET (MET proto-oncogene, receptor tyrosine kinase; plus strand). Cytogenetic location: 7q31.2.
Variant type: single nucleotide variant.
Coding change: c.1913T>C on transcript NM_000245.4 (MANE Select); coding-DNA position 1913, T replaced by C.
Protein change: p.Ile638Thr; replaces isoleucine 638 with threonine.
Molecular consequence: missense variant.
Genome position (GRCh38, 1-based): chr7:116,757,487, T>C. VCF-style: chr7-116757487-T-C. GRCh37 (hg19) VCF-style: chr7-116397541-T-C.
Other names: c.1913T>C, p.Ile638Thr (NM_001127500.3, NM_001324401.3); c.623T>C, p.Ile208Thr (NM_001324402.2); short protein forms I638T, I208T.
Identifiers: ClinVar variation 524873 (VCV000524873.11), dbSNP rs1554395371, ClinGen allele CA368979372.
Genomic context (GRCh38, chr7:116,757,487, plus strand): 5'-TTTTTTCCAGATTGAAATGCACAGTTGGTCCTGCCATGAATAAGCATTTCAATATGTCCA[T>C]AATTATTTCAAATGGCCACGGGACAACACAATACAGTACATTCTCCTATGTGGTAAGGAA-3'
Protein context (NP_000236.2, residues 628-648): PAMNKHFNMS[Ile638Thr]IISNGHGTTQ

ClinVar aggregate classification (germline): Uncertain significance. Review status: criteria provided, multiple submitters, no conflicts (2 of 4 stars). 2 submissions from 2 submitters: Uncertain significance (2). Last evaluated 2026-02-19.

Conditions:
Renal cell carcinoma. Identifiers: Orphanet 217071, MedGen C0007134, MeSH D002292, MONDO:0005086, HP:0005584.
Hereditary cancer-predisposing syndrome. Also called: Tumor predisposition; Hereditary Cancer Syndrome; Neoplastic Syndromes, Hereditary; Hereditary neoplastic syndrome. Identifiers: Orphanet 140162, MedGen C0027672, MeSH D009386, MONDO:0015356.

Submissions (2):

Ambry Genetics
Classification: Uncertain significance for Hereditary cancer-predisposing syndrome. Last evaluated: 2026-02-19. Review status: criteria provided, single submitter. Criteria: Ambry Variant Classification Scheme 2023. Collection method: clinical testing. Allele origin: germline.
Comment: The p.I638T variant (also known as c.1913T>C), located in coding exon 6 of the MET gene, results from a T to C substitution at nucleotide position 1913. The isoleucine at codon 638 is replaced by threonine, an amino acid with similar properties. This amino acid position is conserved. In addition, this alteration is predicted to be tolerated by in silico analysis. Based on the available evidence, the clinical significance of this variant remains unclear.

Labcorp Genetics (formerly Invitae), Labcorp
Classification: Uncertain significance for Renal cell carcinoma. Last evaluated: 2017-12-07. Review status: criteria provided, single submitter. Criteria: Invitae Variant Classification Sherloc (09022015). Collection method: clinical testing. Allele origin: germline.
Comment: This sequence change replaces isoleucine with threonine at codon 638 of the MET protein (p.Ile638Thr). The isoleucine residue is weakly conserved and there is a moderate physicochemical difference between isoleucine and threonine. This variant is not present in population databases (ExAC no frequency). This variant has not been reported in the literature in individuals with MET-related disease. Algorithms developed to predict the effect of missense changes on protein structure and function (SIFT, PolyPhen-2, Align-GVGD) all suggest that this variant is likely to be tolerated, but these predictions have not been confirmed by published functional studies and their clinical significance is uncertain. In summary, the available evidence is currently insufficient to determine the role of this variant in disease. Therefore, it has been classified as a Variant of Uncertain Significance.